The following is an entry in ClinVar:

NM_032444.4(SLX4):c.2851G>A (p.Glu951Lys)

Gene: SLX4 (SLX4 structure-specific endonuclease subunit; minus strand). Cytogenetic location: 16p13.3.
Variant type: single nucleotide variant.
Coding change: c.2851G>A on transcript NM_032444.4 (MANE Select); coding-DNA position 2851, G replaced by A.
Protein change: p.Glu951Lys; replaces glutamic acid 951 with lysine.
Molecular consequence: missense variant.
Genome position (GRCh38, 1-based): chr16:3,590,787, C>T on the plus strand (G>A on the coding strand, the complement: SLX4 is on the minus strand). VCF-style: chr16-3590787-C-T. GRCh37 (hg19) VCF-style: chr16-3640788-C-T.
Other names: c.2851G>A (LRG_503t1); short protein forms E951K.
Identifiers: ClinVar variation 526334 (VCV000526334.10), dbSNP rs1555450353, ClinGen allele CA394522633.

ClinVar aggregate classification (germline): Uncertain significance (1 of 4 stars; one submission).

Conditions:
Fanconi anemia (FA). Also called: Fanconi's anemia. Identifiers: Orphanet 84, MedGen C0015625, MeSH D005199, MONDO:0019391.

Submission:

Labcorp Genetics (formerly Invitae), Labcorp
Classification: Uncertain significance for Fanconi anemia. Last evaluated: 2019-05-04. Review status: criteria provided, single submitter. Criteria: Invitae Variant Classification Sherloc (09022015). Collection method: clinical testing. Allele origin: germline.
Comment: In summary, the available evidence is currently insufficient to determine the role of this variant in disease. Therefore, it has been classified as a Variant of Uncertain Significance. Algorithms developed to predict the effect of missense changes on protein structure and function output the following: SIFT: "Tolerated"; PolyPhen-2: "Benign"; Align-GVGD: "Class C0". The lysine amino acid residue is found in multiple mammalian species, suggesting that this missense change does not adversely affect protein function. These predictions have not been confirmed by published functional studies and their clinical significance is uncertain. This variant has not been reported in the literature in individuals with SLX4-related disease. This variant is not present in population databases (ExAC no frequency). This sequence change replaces glutamic acid with lysine at codon 951 of the SLX4 protein (p.Glu951Lys). The glutamic acid residue is moderately conserved and there is a small physicochemical difference between glutamic acid and lysine.